The following is an entry in ClinVar:

ClinVar aggregate classification (germline): Uncertain significance. Review status: criteria provided, multiple submitters, no conflicts (2 of 4 stars). 3 submissions from 3 submitters: Uncertain significance (3). Last evaluated 2025-10-10.

Conditions:
Diabetes mellitus, transient neonatal, 3 (TNDM3). Identifiers: Orphanet 99886, MedGen C1864623, MONDO:0012522, OMIM 610582. Disease mechanism: loss of function.
Type 2 diabetes mellitus. Also called: Type II diabetes mellitus. Identifiers: MedGen C0011860, MeSH D003924, MONDO:0005148, OMIM 125853, HP:0005978.
Diabetes mellitus, permanent neonatal 2. Also called: KCNJ11-Related Permanent Neonatal Diabetes Mellitus. Identifiers: MedGen C5394296, MONDO:0030087, OMIM 618856.
Hyperinsulinemic hypoglycemia, familial, 2. Also called: HYPERINSULINEMIC HYPOGLYCEMIA, PERSISTENT; HYPERINSULINISM, NEONATAL. Identifiers: Orphanet 276580, Orphanet 276603, MedGen C2931833, MONDO:0011153, OMIM 601820. Disease mechanism: loss of function.
Maturity-onset diabetes of the young type 13. Also called: MODY, TYPE 13. Identifiers: Orphanet 552, MedGen C4225365, MONDO:0014589, OMIM 616329.

gnomAD v4.1: 30 of 1,608,800 alleles (0.0019%); highest among the groups gnomAD compares: African/African-American, 0.033%; 1 homozygote.

Submissions (3):

Women's Health and Genetics/Laboratory Corporation of America, LabCorp
Classification: Uncertain significance. Last evaluated: 2025-10-10. Review status: criteria provided, single submitter. Criteria: LabCorp Variant Classification Summary - May 2015. Collection method: clinical testing. Allele origin: germline.
Comment: Variant summary: KCNJ11 c.190G>T (p.Val64Leu) results in a conservative amino acid change in the encoded protein sequence. Algorithms developed to predict the effect of missense changes on protein structure and function are either unavailable or do not agree on the potential impact of this missense change. The variant allele was found at a frequency of 4.8e-05 in 250964 control chromosomes, predominantly at a frequency of 0.00055 within the African or African-American subpopulation in the gnomAD database, including 1 homozygotes. The available data on variant occurrences in the general population are insufficient to allow any conclusion about variant significance. To our knowledge, no occurrence of c.190G>T in individuals affected with KCNJ11-related conditions and no experimental evidence demonstrating its impact on protein function have been reported. ClinVar contains an entry for this variant (Variation ID: 3599289). Based on the evidence outlined above, the variant was classified as uncertain significance.

Labcorp Genetics (formerly Invitae), Labcorp
Classification: Uncertain significance. Last evaluated: 2025-10-06. Review status: criteria provided, single submitter. Criteria: Invitae Variant Classification Sherloc (09022015). Collection method: clinical testing. Allele origin: germline.
Comment: This sequence change replaces valine, which is neutral and non-polar, with leucine, which is neutral and non-polar, at codon 64 of the KCNJ11 protein (p.Val64Leu). This variant is present in population databases (rs115716690, gnomAD 0.04%), including at least one homozygous and/or hemizygous individual. This missense change has been observed in individual(s) with KCNJ11-related questions (PMID: 20022885, 33046911). ClinVar contains an entry for this variant (Variation ID: 3599289). Invitae Evidence Modeling of protein sequence and biophysical properties (such as structural, functional, and spatial information, amino acid conservation, physicochemical variation, residue mobility, and thermodynamic stability) indicates that this missense variant is expected to disrupt KCNJ11 protein function with a positive predictive value of 80%. Experimental studies are conflicting or provide insufficient evidence to determine the effect of this variant on KCNJ11 function (PMID: 20022885, 28842488). In summary, the available evidence is currently insufficient to determine the role of this variant in disease. Therefore, it has been classified as a Variant of Uncertain Significance.

Fulgent Genetics
Classification: Uncertain significance for Type 2 diabetes mellitus; Hyperinsulinemic hypoglycemia, familial, 2; Diabetes mellitus, transient neonatal, 3; Maturity-onset diabetes of the young type 13; Diabetes mellitus, permanent neonatal 2. Last evaluated: 2024-03-11. Review status: criteria provided, single submitter. Criteria: ACMG Guidelines, 2015. Collection method: clinical testing. Allele origin: germline.

Literature cited by the submitters: PubMed 20022885 (cited by Labcorp Genetics (formerly Invitae), Labcorp); PubMed 33046911 (cited by Labcorp Genetics (formerly Invitae), Labcorp); PubMed 28842488 (cited by Labcorp Genetics (formerly Invitae), Labcorp).

NM_000525.4(KCNJ11):c.190G>T (p.Val64Leu)

Gene: KCNJ11 (potassium inwardly rectifying channel subfamily J member 11; minus strand). Cytogenetic location: 11p15.1.
Variant type: single nucleotide variant.
Coding change: c.190G>T on transcript NM_000525.4 (MANE Select); coding-DNA position 190, G replaced by T.
Protein change: p.Val64Leu; replaces valine 64 with leucine.
Molecular consequence: missense variant. On other transcripts: intron variant (3).
Genome position (GRCh38, 1-based): chr11:17,387,902, C>A on the plus strand (G>T on the coding strand, the complement: KCNJ11 is on the minus strand). VCF-style: chr11-17387902-C-A. GRCh37 (hg19) VCF-style: chr11-17409449-C-A.
Other names: c.-16-56G>T (NM_001166290.2, NM_001377297.1, NM_001377296.1); short protein forms V64L.
Identifiers: ClinVar variation 3599289 (VCV003599289.3).